The following is an entry in ClinVar:

NM_000827.4(GRIA1):c.1838G>A (p.Arg613His)

Gene: GRIA1 (glutamate ionotropic receptor AMPA type subunit 1; plus strand). Cytogenetic location: 5q33.2.
Variant type: single nucleotide variant.
Coding change: c.1838G>A on transcript NM_000827.4 (MANE Select); coding-DNA position 1838, G replaced by A.
Protein change: p.Arg613His; replaces arginine 613 with histidine.
Molecular consequence: missense variant. On other transcripts: non-coding transcript variant (2).
Genome position (GRCh38, 1-based): chr5:153,764,448, G>A. VCF-style: chr5-153764448-G-A. GRCh37 (hg19) VCF-style: chr5-153144008-G-A.
Other names: c.1838G>A, p.Arg613His (NM_001114183.2); c.1598G>A, p.Arg533His (NM_001258019.2); c.1553G>A, p.Arg518His (NM_001258020.2); c.1868G>A, p.Arg623His (NM_001258021.2, NM_001258022.2); c.1631G>A, p.Arg544His (NM_001258023.1, NM_001364167.2); c.1670G>A, p.Arg557His (NM_001364165.2); c.1865G>A, p.Arg622His (NM_001364166.2); short protein forms R518H, R533H, R544H, R557H, R613H, R622H, R623H.
Identifiers: ClinVar variation 1308011 (VCV001308011.3), dbSNP rs1274065669, ClinGen allele CA362001956.

ClinVar aggregate classification (germline): Uncertain significance (1 of 4 stars; one submission).

Allele frequency attached by ClinVar (database versions not stated): gnomAD exomes below 0.00001.
gnomAD v4.1: 2 of 1,613,472 alleles (0.00012%); highest among the groups gnomAD compares: East Asian, 0.0022%; no homozygotes.

Submission:

GeneDx
Classification: Uncertain significance. Last evaluated: 2024-05-22. Review status: criteria provided, single submitter. Criteria: GeneDx Variant Classification Process June 2021. Collection method: clinical testing. Allele origin: germline. Affected: yes.
Comment: Has not been previously published as pathogenic or benign to our knowledge; In silico analysis supports that this missense variant has a deleterious effect on protein structure/function; Not observed at significant frequency in large population cohorts (gnomAD)